The following is an entry in ClinVar:

ClinVar aggregate classification (germline): Uncertain significance (1 of 4 stars; one submission).

Conditions:
Colorectal cancer, hereditary nonpolyposis, type 7. Identifiers: Orphanet 144, MedGen C1858380, MONDO:0013725, OMIM 614385.

Submission:

Labcorp Genetics (formerly Invitae), Labcorp
Classification: Uncertain significance for Colorectal cancer, hereditary nonpolyposis, type 7. Last evaluated: 2025-09-27. Review status: criteria provided, single submitter. Criteria: Invitae Variant Classification Sherloc (09022015). Collection method: clinical testing. Allele origin: germline.
Comment: This sequence change replaces phenylalanine, which is neutral and non-polar, with serine, which is neutral and polar, at codon 830 of the MLH3 protein (p.Phe830Ser). This variant is not present in population databases (gnomAD no frequency). This variant has not been reported in the literature in individuals affected with MLH3-related conditions. An algorithm developed to predict the effect of missense changes on protein structure and function outputs the following: PolyPhen-2: "Benign". The serine amino acid residue is found in multiple mammalian species, which suggests that this missense change does not adversely affect protein function. In summary, the available evidence is currently insufficient to determine the role of this variant in disease. Therefore, it has been classified as a Variant of Uncertain Significance.

NM_001040108.2(MLH3):c.2489T>C (p.Phe830Ser)

Gene: MLH3 (mutL homolog 3; minus strand). Cytogenetic location: 14q24.3.
Variant type: single nucleotide variant.
Coding change: c.2489T>C on transcript NM_001040108.2 (MANE Select); coding-DNA position 2489, T replaced by C.
Protein change: p.Phe830Ser; replaces phenylalanine 830 with serine.
Molecular consequence: missense variant.
Genome position (GRCh38, 1-based): chr14:75,047,167, A>G on the plus strand (T>C on the coding strand, the complement: MLH3 is on the minus strand). VCF-style: chr14-75047167-A-G. GRCh37 (hg19) VCF-style: chr14-75513870-A-G.
Other names: c.2489T>C, p.Phe830Ser (NM_014381.3); short protein forms F830S.
Identifiers: ClinVar variation 4739737 (VCV004739737.1).